The following is an entry in ClinVar:

ClinVar aggregate classification (germline): Benign/Likely benign. Review status: criteria provided, multiple submitters, no conflicts (2 of 4 stars). 6 submissions from 6 submitters: Benign (1); Likely benign (4). 1 of the submissions does not count toward it. Last evaluated 2026-02-02.

Conditions:
SYNJ1-related disorder. Also called: SYNJ1-related condition.
Early-onset Parkinson disease 20. Also called: PARKINSON DISEASE 20, AUTOSOMAL RECESSIVE EARLY-ONSET. Identifiers: Orphanet 391411, MedGen C3809824, MONDO:0014233, OMIM 615530.
Developmental and epileptic encephalopathy, 53. Also called: Epileptic encephalopathy, early infantile, 53. Identifiers: MedGen C4479313, MONDO:0033362, OMIM 617389.

Allele frequency attached by ClinVar (database versions not stated): gnomAD exomes 0.00020 and 0.00053; ExAC 0.00068; 1000 Genomes Project 30x 0.00125; 1000 Genomes Project 0.00140; gnomAD 0.00223 and 0.00241; TOPMed 0.00247; ESP Exome Variant Server 0.00284.
gnomAD v4.1: 630 of 1,614,076 alleles (0.039%); highest among the groups gnomAD compares: African/African-American, 0.77%; 2 homozygotes.

Submissions (6):

Labcorp Genetics (formerly Invitae), Labcorp
Classification: Benign for Developmental and epileptic encephalopathy, 53; Early-onset Parkinson disease 20. Last evaluated: 2026-02-02. Review status: criteria provided, single submitter. Criteria: Invitae Variant Classification Sherloc (09022015). Collection method: clinical testing. Allele origin: germline.

Blueprint Genetics
Classification: Likely benign. Last evaluated: 2024-08-12. Review status: criteria provided, single submitter. Criteria: ACMG Guidelines, 2015. Collection method: clinical testing. Allele origin: germline.

CeGaT Center for Human Genetics Tuebingen
Classification: Likely benign. Last evaluated: 2023-05-01. Review status: criteria provided, single submitter. Criteria: CeGaT Center For Human Genetics Tuebingen Variant Classification Criteria Version 2. Collection method: clinical testing. Allele origin: germline. Affected: yes. Observed: 1 variant allele.
Comment: SYNJ1: BP4, BP7

GeneDx
Classification: Likely benign. Last evaluated: 2021-03-16. Review status: criteria provided, single submitter. Criteria: GeneDx Variant Classification Process June 2021. Collection method: clinical testing. Allele origin: germline. Affected: yes.

Breakthrough Genomics
Classification: Likely benign. Review status: criteria provided, single submitter. Criteria: ACMG Guidelines, 2015. Collection method: not provided. Allele origin: germline. Inheritance: Autosomal recessive inheritance. Affected: yes.

PreventionGenetics, part of Exact Sciences
Classification: Likely benign for SYNJ1-related condition. Last evaluated: 2019-06-03. Review status: no assertion criteria provided. Collection method: clinical testing. Allele origin: germline. Not counted in ClinVar's aggregate classification.
Comment: This variant is classified as likely benign based on ACMG/AMP sequence variant interpretation guidelines (Richards et al. 2015 PMID: 25741868, with internal and published modifications).

NM_203446.3(SYNJ1):c.*315G>A

Gene: SYNJ1 (synaptojanin 1; minus strand). Cytogenetic location: 21q22.11.
Variant type: single nucleotide variant.
Coding change: c.*315G>A on transcript NM_203446.3 (MANE Select); 315 bases downstream of the stop codon, G replaced by A.
Molecular consequence: 3 prime UTR variant. On other transcripts: synonymous variant (2).
Genome position (GRCh38, 1-based): chr21:32,631,490, C>T on the plus strand (G>A on the coding strand, the complement: SYNJ1 is on the minus strand). VCF-style: chr21-32631490-C-T. GRCh37 (hg19) VCF-style: chr21-34003800-C-T.
Other names: c.*315G>A (NM_001160302.2); c.4086G>A, p.Arg1362= (NM_001160306.2); c.4344G>A, p.Arg1448= (NM_003895.4).
Identifiers: ClinVar variation 544586 (VCV000544586.42), dbSNP rs145347648, ClinGen allele CA10003133.
Genomic context (GRCh38, chr21:32,631,490, plus strand): 5'-CCATGAAGTTGCCTCTGATTCTTCAGACTTGGCTCTAAATGGGTTTCCAGGAGCAGCAGT[C>T]CTGTCACTGAAAGGATTTGTCCTGGTCAAGCCAGTAATAAATGGGTTTGGAGAACTTCGC-3'